The following is an entry in ClinVar:

ClinVar aggregate classification (germline): Pathogenic (1 of 4 stars; one submission).

Submission:

Labcorp Genetics (formerly Invitae), Labcorp
Classification: Pathogenic. Last evaluated: 2022-10-06. Review status: criteria provided, single submitter. Criteria: Invitae Variant Classification Sherloc (09022015). Collection method: clinical testing. Allele origin: germline.
Comment: This variant is a gross deletion of the genomic region encompassing exon(s) 4-6 of the SLC12A3 gene. This deletion is out-of-frame, and is expected to create a premature termination codon and result in an absent or disrupted protein product. Loss-of-function variants in SLC12A3 are known to be pathogenic (PMID: 20848653, 22009145, 25841442). A similar copy number variant has been observed in individual(s) with Gitelman's syndrome (PMID: 21415153). For these reasons, this variant has been classified as Pathogenic.

Literature cited by the submitters: PubMed 20848653; PubMed 22009145; PubMed 25841442; PubMed 21415153.

NC_000016.10:g.(?_56869719)_(56870746_?)del

Gene: SLC12A3 (solute carrier family 12 member 3; plus strand). Cytogenetic location: 16q13.
Variant type: Deletion.
Identifiers: ClinVar variation 644830 (VCV000644830.6).